The following is an entry in ClinVar:

ClinVar aggregate classification (germline): Uncertain significance (1 of 4 stars; one submission).

Conditions:
Aicardi-Goutieres syndrome 6 (AGS6). Identifiers: Orphanet 51, MedGen C3539013, MONDO:0014007, OMIM 615010.
Symmetrical dyschromatosis of extremities (DSH). Also called: Dyschromatosis symmetrica hereditaria; RETICULATE ACROPIGMENTATION OF DOHI; SYMMETRIC DYSCHROMATOSIS OF THE EXTREMITIES; DYSCHROMATOSIS SYMMETRICA HEREDITARIA 1. Identifiers: Orphanet 41, MedGen C0406775, MONDO:0007483, OMIM 127400.

gnomAD v4.1: 10 of 1,613,994 alleles (0.00062%); highest among the groups gnomAD compares: Admixed American, 0.0017%; no homozygotes.

Submission:

Labcorp Genetics (formerly Invitae), Labcorp
Classification: Uncertain significance for Aicardi-Goutieres syndrome 6; Symmetrical dyschromatosis of extremities. Last evaluated: 2025-02-08. Review status: criteria provided, single submitter. Criteria: Invitae Variant Classification Sherloc (09022015). Collection method: clinical testing. Allele origin: germline.
Comment: This sequence change replaces glycine, which is neutral and non-polar, with glutamic acid, which is acidic and polar, at codon 219 of the ADAR protein (p.Gly219Glu). This variant is present in population databases (no rsID available, gnomAD 0.007%). This variant has not been reported in the literature in individuals affected with ADAR-related conditions. An algorithm developed to predict the effect of missense changes on protein structure and function outputs the following: PolyPhen-2: "Not Available". The glutamic acid amino acid residue is found in multiple mammalian species, which suggests that this missense change does not adversely affect protein function. In summary, the available evidence is currently insufficient to determine the role of this variant in disease. Therefore, it has been classified as a Variant of Uncertain Significance.

NM_001111.5(ADAR):c.656G>A (p.Gly219Glu)

Gene: ADAR (adenosine deaminase RNA specific; minus strand). Cytogenetic location: 1q21.3.
Variant type: single nucleotide variant.
Coding change: c.656G>A on transcript NM_001111.5 (MANE Select); coding-DNA position 656, G replaced by A.
Protein change: p.Gly219Glu; replaces glycine 219 with glutamic acid.
Molecular consequence: missense variant. On other transcripts: 5 prime UTR variant (6).
Genome position (GRCh38, 1-based): chr1:154,601,986, C>T on the plus strand (G>A on the coding strand, the complement: ADAR is on the minus strand). VCF-style: chr1-154601986-C-T. GRCh37 (hg19) VCF-style: chr1-154574462-C-T.
Other names: c.-230G>A (NM_001025107.3, NM_001193495.2, NM_001365046.1 and 3 more transcripts); c.683G>A, p.Gly228Glu (NM_001365045.1); c.656G>A, p.Gly219Glu (NM_015840.4, NM_015841.4); short protein forms G219E, G228E.
Identifiers: ClinVar variation 3749687 (VCV003749687.2).
Genomic context (GRCh38, chr1:154,601,986, plus strand): 5'-TCTGAGACAGATGTGGAGTTTCTGTCTTCCGGTTCCAAACTCGGGTCTGAGTTTGGGGCT[C>T]CTTGGCTATGACCGTCTGGTCTTACCACTCCGCTGTGCTGGTTCCAAGCCTGAGTGGAGA-3'
Protein context (NP_001102.3, residues 209-229): GVVRPDGHSQ[Gly219Glu]APNSDPSLEP